The following is an entry in ClinVar:

ClinVar aggregate classification (germline): Uncertain significance (1 of 4 stars; one submission).

Submission:

Labcorp Genetics (formerly Invitae), Labcorp
Classification: Uncertain significance. Last evaluated: 2023-05-23. Review status: criteria provided, single submitter. Criteria: Invitae Variant Classification Sherloc (09022015). Collection method: clinical testing. Allele origin: germline.
Comment: This sequence change replaces phenylalanine, which is neutral and non-polar, with leucine, which is neutral and non-polar, at codon 233 of the NEK2 protein (p.Phe233Leu). This variant is not present in population databases (gnomAD no frequency). This variant has not been reported in the literature in individuals affected with NEK2-related conditions. An algorithm developed to predict the effect of missense changes on protein structure and function (PolyPhen-2) suggests that this variant is likely to be tolerated. In summary, the available evidence is currently insufficient to determine the role of this variant in disease. Therefore, it has been classified as a Variant of Uncertain Significance.

NM_002497.4(NEK2):c.697T>C (p.Phe233Leu)

Gene: NEK2 (NIMA related kinase 2; minus strand). Cytogenetic location: 1q32.3.
Variant type: single nucleotide variant.
Coding change: c.697T>C on transcript NM_002497.4 (MANE Select); coding-DNA position 697, T replaced by C.
Protein change: p.Phe233Leu; replaces phenylalanine 233 with leucine.
Molecular consequence: missense variant.
Genome position (GRCh38, 1-based): chr1:211,670,349, A>G on the plus strand (T>C on the coding strand, the complement: NEK2 is on the minus strand). VCF-style: chr1-211670349-A-G. GRCh37 (hg19) VCF-style: chr1-211843691-A-G.
Other names: c.697T>C, p.Phe233Leu (NM_001204182.2, NM_001204183.2); short protein forms F233L.
Identifiers: ClinVar variation 2963466 (VCV002963466.3), dbSNP rs2464392490, ClinGen allele CA344779860.